The following is an entry in ClinVar:

NM_015541.3(LRIG1):c.2952C>T (p.Ala984=)

Gene: LRIG1 (leucine rich repeats and immunoglobulin like domains 1; minus strand). Cytogenetic location: 3p14.1.
Variant type: single nucleotide variant.
Coding change: c.2952C>T on transcript NM_015541.3 (MANE Select); coding-DNA position 2952, C replaced by T.
Protein change: p.Ala984=; no amino-acid change (alanine 984 retained).
Molecular consequence: synonymous variant.
Genome position (GRCh38, 1-based): chr3:66,380,680, G>A on the plus strand (C>T on the coding strand, the complement: LRIG1 is on the minus strand). VCF-style: chr3-66380680-G-A. GRCh37 (hg19) VCF-style: chr3-66431104-G-A.
Other names: c.2877C>T, p.Ala959= (NM_001377344.1); c.2172C>T, p.Ala724= (NM_001377345.1, NM_001377346.1); c.1950C>T, p.Ala650= (NM_001377347.1); c.1923C>T, p.Ala641= (NM_001377348.1); c.1668C>T, p.Ala556= (NM_001377349.1).
Identifiers: ClinVar variation 791935 (VCV000791935.6), dbSNP rs35938214, ClinGen allele CA2484102.

ClinVar aggregate classification (germline): Benign. Review status: criteria provided, multiple submitters, no conflicts (2 of 4 stars). 3 submissions from 3 submitters: Benign (2). 1 of the submissions does not count toward it. Last evaluated 2018-05-15.

Conditions:
LRIG1-related disorder. Also called: LRIG1-related condition.

Allele frequency attached by ClinVar (database versions not stated): gnomAD exomes 0.00123 and 0.00296; ExAC 0.00368; 1000 Genomes Project 0.01038; 1000 Genomes Project 30x 0.01124; gnomAD 0.01129 and 0.01218; ESP Exome Variant Server 0.01192; TOPMed 0.01258.
gnomAD v4.1: 3,606 of 1,614,162 alleles (0.22%); highest among the groups gnomAD compares: African/African-American, 4%; 78 homozygotes.

Submissions (3):

Labcorp Genetics (formerly Invitae), Labcorp
Classification: Benign. Last evaluated: 2018-05-15. Review status: criteria provided, single submitter. Criteria: Invitae Variant Classification Sherloc (09022015). Collection method: clinical testing. Allele origin: germline.

Breakthrough Genomics
Classification: Benign. Review status: criteria provided, single submitter. Criteria: ACMG Guidelines, 2015. Collection method: not provided. Allele origin: germline. Inheritance: Unknown mechanism. Affected: yes.

PreventionGenetics, part of Exact Sciences
Classification: Benign for LRIG1-related condition. Last evaluated: 2019-12-23. Review status: no assertion criteria provided. Collection method: clinical testing. Allele origin: germline. Not counted in ClinVar's aggregate classification.
Comment: This variant is classified as benign based on ACMG/AMP sequence variant interpretation guidelines (Richards et al. 2015 PMID: 25741868, with internal and published modifications).